The following is an entry in ClinVar:

ClinVar aggregate classification (germline): Pathogenic/Likely pathogenic. Review status: criteria provided, multiple submitters, no conflicts (2 of 4 stars). 3 submissions from 3 submitters: Pathogenic (2); Likely pathogenic (1). Last evaluated 2026-01-20.

Conditions:
Ellis-van Creveld syndrome (EVC). Also called: MESOECTODERMAL DYSPLASIA; Chondroectodermal dysplasia. Identifiers: Orphanet 289, MedGen C0013903, MONDO:0009162, OMIM 225500.
Curry-Hall syndrome (WAD). Also called: WEYERS ACRODENTAL DYSOSTOSIS. Identifiers: Orphanet 952, MedGen C0457013, MONDO:0008673, OMIM 193530.

Submissions (3):

Myriad Genetics, Inc.
Classification: Pathogenic for Ellis-van Creveld syndrome. Last evaluated: 2026-01-20. Review status: criteria provided, single submitter. Criteria: Myriad Autosomal Dominant, Autosomal Recessive and X-Linked Classification Criteria (2023). Collection method: clinical testing. Allele origin: unknown.
Comment: NM_153717.2(EVC):c.1412_1413delGA(R471Kfs*5) is expected to be pathogenic in the context of EVC-related Ellis-van Creveld syndrome. This variant is predicted to lead to an abnormal or absent protein product due to the creation of a premature termination codon in EVC, a gene where loss-of-function variants are known to be pathogenic. Please note: this variant was assessed in the context of healthy population screening.

Labcorp Genetics (formerly Invitae), Labcorp
Classification: Pathogenic for Curry-Hall syndrome; Ellis-van Creveld syndrome. Last evaluated: 2022-12-22. Review status: criteria provided, single submitter. Criteria: Invitae Variant Classification Sherloc (09022015). Collection method: clinical testing. Allele origin: germline.
Comment: For these reasons, this variant has been classified as Pathogenic. This variant is also known as c.1409_1410del. This premature translational stop signal has been observed in individual(s) with postaxial polydactyly (PMID: 30993914). This variant is not present in population databases (gnomAD no frequency). This sequence change creates a premature translational stop signal (p.Arg471Lysfs*5) in the EVC gene. It is expected to result in an absent or disrupted protein product. Loss-of-function variants in EVC are known to be pathogenic (PMID: 23220543).

Juno Genomics, Hangzhou Juno Genomics, Inc
Classification: Likely pathogenic for Curry-Hall syndrome; Ellis-van Creveld syndrome. Review status: criteria provided, single submitter. Criteria: ACMG Guidelines, 2015. Collection method: clinical testing. Allele origin: germline.
Comment: Null variant in a gene where loss of function (LOF) is a known mechanism of disease.;Absent from controls (or at extremely low frequency if recessive) in Genome Aggregation Database.

Literature cited by the submitters: PubMed 30993914 (cited by Labcorp Genetics (formerly Invitae), Labcorp); PubMed 23220543 (cited by Labcorp Genetics (formerly Invitae), Labcorp).

NM_153717.3(EVC):c.1412_1413del (p.Arg471fs)

Gene: EVC (EvC ciliary complex subunit 1; plus strand). Cytogenetic location: 4p16.2.
Variant type: Microsatellite.
Coding change: c.1412_1413del on transcript NM_153717.3 (MANE Select); coding-DNA positions 1412 to 1413, 2 bases deleted (GA; older notation c.1412_1413delGA).
Protein change: p.Arg471fs; shifts the reading frame from arginine 471.
Molecular consequence: frameshift variant.
Genome position (GRCh38, 1-based): chr4:5,753,881-5,753,882, GA deleted; deleting any 2 consecutive bases within chr4:5,753,878-5,753,882 gives the same sequence; the c. name uses the placement nearest the transcript's 3' end. VCF-style (leftmost placement, unchanged base first): chr4-5753877-CAG-C. GRCh37 (hg19) VCF-style: chr4-5755604-CAG-C.
Other names: c.1412_1413del, p.Arg471fs (NM_001306090.2, NM_001306092.2); short protein forms R471fs.
Identifiers: ClinVar variation 2931840 (VCV002931840.6), dbSNP rs2475425024, ClinGen allele CA2586973751.
Genomic context (GRCh38, chr4:5,753,877, plus strand): 5'-GCGTCTCTGGCTCACCAGGTGGAGGGAACGGCAAAACTCACGCTGGCCCAAGAGGAGGAA[CAG>C]AGAAGCTTCCTGGCTGAGGCCCAGCCGACTGCTGACCCGGAAAAGTTTCTCGAGGTGACT-3'